The following is an entry in ClinVar:

ClinVar aggregate classification (germline): Uncertain significance (1 of 4 stars; one submission).

Conditions:
Autoimmune lymphoproliferative syndrome, type III caused by mutation in PRKCD. Identifiers: Orphanet 3261, Orphanet 664711, MedGen C3809928, MONDO:8000024, OMIM 615559.

Allele frequency attached by ClinVar (database versions not stated): gnomAD exomes below 0.00001.
gnomAD v4.1: 2 of 1,613,200 alleles (0.00012%); highest among the groups gnomAD compares: Non-Finnish European, 0.00017%; no homozygotes.

Submission:

Labcorp Genetics (formerly Invitae), Labcorp
Classification: Uncertain significance for Autoimmune lymphoproliferative syndrome, type III caused by mutation in PRKCD. Last evaluated: 2021-04-25. Review status: criteria provided, single submitter. Criteria: Invitae Variant Classification Sherloc (09022015). Collection method: clinical testing. Allele origin: germline.
Comment: In summary, the available evidence is currently insufficient to determine the role of this variant in disease. Therefore, it has been classified as a Variant of Uncertain Significance. Algorithms developed to predict the effect of missense changes on protein structure and function are either unavailable or do not agree on the potential impact of this missense change (SIFT: "Deleterious"; PolyPhen-2: "Possibly Damaging"; Align-GVGD: "Class C15"). This variant has not been reported in the literature in individuals with PRKCD-related conditions. This variant is not present in population databases (ExAC no frequency). This sequence change replaces glycine with glutamic acid at codon 311 of the PRKCD protein (p.Gly311Glu). The glycine residue is highly conserved and there is a moderate physicochemical difference between glycine and glutamic acid.

NM_006254.4(PRKCD):c.932G>A (p.Gly311Glu)

Gene: PRKCD (protein kinase C delta; plus strand). Cytogenetic location: 3p21.1.
Variant type: single nucleotide variant.
Coding change: c.932G>A on transcript NM_006254.4 (MANE Select); coding-DNA position 932, G replaced by A.
Protein change: p.Gly311Glu; replaces glycine 311 with glutamic acid.
Molecular consequence: missense variant.
Genome position (GRCh38, 1-based): chr3:53,185,647, G>A. VCF-style: chr3-53185647-G-A. GRCh37 (hg19) VCF-style: chr3-53219663-G-A.
Other names: c.932G>A, p.Gly311Glu (NM_001316327.2, NM_001354679.2, NM_001354680.2 and 1 more transcripts); c.989G>A, p.Gly330Glu (NM_001354676.2); c.980G>A, p.Gly327Glu (NM_001354678.2); short protein forms G327E, G330E, G311E.
Identifiers: ClinVar variation 1501134 (VCV001501134.8), dbSNP rs2107275603, ClinGen allele CA353220865.